The following is an entry in ClinVar:

ClinVar aggregate classification (germline): Pathogenic/Likely pathogenic. Review status: criteria provided, multiple submitters, no conflicts (2 of 4 stars). 11 submissions from 11 submitters: Pathogenic (2); Likely pathogenic (8). 1 of the submissions does not count toward it. Last evaluated 2025-12-29.

Conditions:
Pancytopenia-developmental delay syndrome. Also called: Bone marrow failure syndrome 2. Identifiers: Orphanet 401764, MedGen C3810350, MONDO:0014317, OMIM 615715.
ERCC6L2-related disorders.
ERCC6L2-related disorder. Also called: ERCC6L2-related condition.

Allele frequency attached by ClinVar (database versions not stated): ExAC 0.00003; gnomAD exomes 0.00005; gnomAD 0.00028 and 0.00031; TOPMed 0.00052.

Submissions (11):

Labcorp Genetics (formerly Invitae), Labcorp
Classification: Pathogenic. Last evaluated: 2025-12-29. Review status: criteria provided, single submitter. Criteria: Invitae Variant Classification Sherloc (09022015). Collection method: clinical testing. Allele origin: germline.
Comment: This sequence change creates a premature translational stop signal (p.Gln18*) in the ERCC6L2 gene. It is expected to result in an absent or disrupted protein product. Loss-of-function variants in ERCC6L2 are known to be pathogenic (PMID: 24507776, 27185855, 29146883, 29987015). This variant is present in population databases (rs778926161, gnomAD 0.01%). This variant has not been reported in the literature in individuals affected with ERCC6L2-related conditions. ClinVar contains an entry for this variant (Variation ID: 421974). For these reasons, this variant has been classified as Pathogenic.

ARUP Laboratories, Molecular Genetics and Genomics, ARUP Laboratories
Classification: Likely pathogenic for Pancytopenia-developmental delay syndrome. Last evaluated: 2025-04-16. Review status: criteria provided, single submitter. Criteria: ARUP Molecular Germline Variant Investigation Process 2024. Collection method: clinical testing. Allele origin: germline.
Comment: The ERCC6L2 c.19C>T; p.Gln7Ter variant (rs778926161, ClinVar Variation ID: 421974) is reported in the literature in the homozygous state in an individual affected with myelodysplastic syndrome (Feurstein 2022). This variant is found in the general population with an overall allele frequency of 0.0048% (11/230600 alleles) in the Genome Aggregation Database (v2.1.1). This variant induces an early termination codon and is predicted to result in a truncated protein or mRNA subject to nonsense-mediated decay. Based on available information, this variant is considered to be likely pathogenic. References: Feurstein S et al. Germ line predisposition variants occur in myelodysplastic syndrome patients of all ages. Blood. 2022 Dec 15;140(24):2533-2548. PMID: 35969835.

Women's Health and Genetics/Laboratory Corporation of America, LabCorp
Classification: Pathogenic for Pancytopenia-developmental delay syndrome. Last evaluated: 2025-01-20. Review status: criteria provided, single submitter. Criteria: LabCorp Variant Classification Summary - May 2015. Collection method: clinical testing. Allele origin: germline.
Comment: Variant summary: ERCC6L2 c.19C>T (p.Gln7X) results in a premature termination codon, predicted to cause a truncation of the encoded protein or absence of the protein due to nonsense mediated decay, which are commonly known mechanisms for disease. The variant allele was found at a frequency of 5e-05 in 199200 control chromosomes (gnomAD). This frequency is not higher than estimated for a pathogenic variant in ERCC6L2 causing Pancytopenia-Developmental Delay Syndrome, allowing no conclusion about variant significance. The variant, c.19C>T (NM_020207.7), has been reported in the literature in homozygous- and compound heterozygous state in individuals affected with Pancytopenia-Developmental Delay Syndrome (e.g. Hakkarainen_2023, Feurstein_2023). To our knowledge, no experimental evidence demonstrating an impact on protein function has been reported. The following publications have been ascertained in the context of this evaluation (PMID: 36952636, 37091189). ClinVar contains an entry for this variant (Variation ID: 421974). Based on the evidence outlined above, the variant was classified as pathogenic.

Genetic Services Laboratory, University of Chicago
Classification: Likely pathogenic. Last evaluated: 2023-07-05. Review status: criteria provided, single submitter. Criteria: ACMG Guidelines, 2015. Collection method: clinical testing. Allele origin: germline. Affected: yes.
Comment: DNA sequence analysis of the ERCC6L2 gene demonstrated a sequence change, c.19C>T, which results in the creation of a premature stop codon at amino acid position 7, p.Gln7*. This sequence change is predicted to result in an abnormal transcript, which may be degraded, or may lead to the production of a truncated ERCC6L2 protein with potentially abnormal function. This sequence change has been described in the gnomAD database with a frequency of 0.008% in the European subpopulation (dbSNP rs778926161). This sequence change has not been previously been described in individuals with ERCC6L2-related disorders; however, other loss of function variants have been described as pathogenic in the published literature (PMID: 24507776, 27185855, 29146883, 29987015). These collective evidences indicate that this sequence change is likely pathogenic, however functional studies have not been performed to prove this conclusively.

Department of Pathology and Laboratory Medicine, Sinai Health System
Classification: Likely pathogenic for Pancytopenia-developmental delay syndrome. Last evaluated: 2022-06-23. Review status: criteria provided, single submitter. Criteria: ACMG Guidelines, 2015. Collection method: research. Allele origin: germline.

AiLife Diagnostics
Classification: Likely pathogenic. Last evaluated: 2022-03-22. Review status: criteria provided, single submitter. Criteria: ACMG Guidelines, 2015. Collection method: clinical testing. Allele origin: germline. Affected: yes. Observed: 1 variant allele.

Blueprint Genetics
Classification: Likely pathogenic for ERCC6L2-related disorders. Last evaluated: 2021-09-15. Review status: criteria provided, single submitter. Criteria: ACMG Guidelines, 2015. Collection method: clinical testing. Allele origin: germline. Affected: yes. Observed: 5 variant alleles.

GeneDx
Classification: Likely pathogenic. Last evaluated: 2021-07-02. Review status: criteria provided, single submitter. Criteria: GeneDx Variant Classification Process June 2021. Collection method: clinical testing. Allele origin: germline. Affected: yes.
Comment: Nonsense variant predicted to result in protein truncation or nonsense mediated decay in a gene for which loss-of-function is a known mechanism of disease; Not observed at significant frequency in large population cohorts (Lek et al., 2016); Has not been previously published as pathogenic or benign to our knowledge; This variant is associated with the following publications: (PMID: 27535533)

Knight Diagnostic Laboratories, Oregon Health and Sciences University
Classification: Likely pathogenic for Bone marrow failure syndrome 2. Last evaluated: 2019-12-13. Review status: criteria provided, single submitter. Criteria: ACMG Guidelines, 2015. Collection method: clinical testing. Allele origin: germline. Observed: 1 variant allele.

Revvity Omics, Revvity
Classification: Likely pathogenic for Pancytopenia-developmental delay syndrome. Last evaluated: 2019-10-16. Review status: criteria provided, single submitter. Criteria: ACMG Guidelines, 2015. Collection method: clinical testing. Allele origin: germline.

PreventionGenetics, part of Exact Sciences
Classification: Pathogenic for ERCC6L2-related condition. Last evaluated: 2024-06-14. Review status: no assertion criteria provided. Collection method: clinical testing. Allele origin: germline. Not counted in ClinVar's aggregate classification.
Comment: The ERCC6L2 c.52C>T variant is predicted to result in premature protein termination (p.Gln18*). This variant, commonly referred to as p.Gln7*, was reported in the homozygous or compound heterozygous state in individuals with myelodysplastic syndrome (Feurstein et al. 2022. PubMed ID: 35969835; Hakkarainen et al. 2023. PubMed ID: 36952636). This variant is reported in 0.0089% of alleles in individuals of European (Non-Finnish) descent in gnomAD. Nonsense variants in ERCC6L2 are expected to be pathogenic. This variant is interpreted as pathogenic.

Literature cited by the submitters: PubMed 24507776 (cited by Labcorp Genetics (formerly Invitae), Labcorp); PubMed 27185855 (cited by Labcorp Genetics (formerly Invitae), Labcorp); PubMed 29146883 (cited by Labcorp Genetics (formerly Invitae), Labcorp); PubMed 29987015 (cited by Labcorp Genetics (formerly Invitae), Labcorp); PubMed 37091189 (cited by Women's Health and Genetics/Laboratory Corporation of America, LabCorp); PubMed 36952636 (cited by Women's Health and Genetics/Laboratory Corporation of America, LabCorp).

NM_020207.7(ERCC6L2):c.19C>T (p.Gln7Ter)

Gene: ERCC6L2 (ERCC excision repair 6 like 2; plus strand). Cytogenetic location: 9q22.32.
Variant type: single nucleotide variant.
Coding change: c.19C>T on transcript NM_020207.7 (MANE Select); coding-DNA position 19, C replaced by T.
Protein change: p.Gln7Ter; replaces glutamine 7 with a stop codon.
Molecular consequence: nonsense. On other transcripts: non-coding transcript variant (1).
Genome position (GRCh38, 1-based): chr9:95,876,057, C>T. VCF-style: chr9-95876057-C-T. GRCh37 (hg19) VCF-style: chr9-98638339-C-T.
Other names: c.52C>T (NM_020207.5); c.19C>T, p.Gln7Ter (NM_001010895.4, NM_001375291.1, NM_001375292.1 and 2 more transcripts); short protein forms Q7*.
Identifiers: ClinVar variation 421974 (VCV000421974.25), dbSNP rs778926161, ClinGen allele CA5139208.